The following is an entry in ClinVar:

ClinVar aggregate classification (germline): Pathogenic (1 of 4 stars; one submission).

Submission:

Labcorp Genetics (formerly Invitae), Labcorp
Classification: Pathogenic. Last evaluated: 2025-03-04. Review status: criteria provided, single submitter. Criteria: Invitae Variant Classification Sherloc (09022015). Collection method: clinical testing. Allele origin: germline.
Comment: This sequence change creates a premature translational stop signal (p.Gly133Argfs*35) in the COL9A3 gene. It is expected to result in an absent or disrupted protein product. Loss-of-function variants in COL9A3 are known to be pathogenic (PMID: 24273071, 31090205). This variant is not present in population databases (gnomAD no frequency). This variant has not been reported in the literature in individuals affected with COL9A3-related conditions. For these reasons, this variant has been classified as Pathogenic.

Literature cited by the submitters: PubMed 24273071; PubMed 31090205.

NM_001853.4(COL9A3):c.395dup (p.Gly133fs)

Gene: COL9A3 (collagen type IX alpha 3 chain; plus strand). Cytogenetic location: 20q13.33.
Variant type: Duplication.
Coding change: c.395dup on transcript NM_001853.4 (MANE Select); coding-DNA position 395, one base duplicated (C; older notation c.395dupC).
Protein change: p.Gly133fs; shifts the reading frame from glycine 133.
Molecular consequence: frameshift variant.
Genome position (GRCh38, 1-based): chr20:62,821,782, C duplicated; the last of 6 consecutive C bases (chr20:62,821,777-62,821,782); duplicating any one gives the same sequence. VCF-style (leftmost placement, unchanged base first): chr20-62821776-G-GC. GRCh37 (hg19) VCF-style: chr20-61453128-G-GC.
Other names: short protein forms G133fs.
Identifiers: ClinVar variation 3684632 (VCV003684632.2).